The following is an entry in ClinVar:

NM_032357.4(VMA22):c.539C>T (p.Ala180Val)

Gene: VMA22 (vacuolar ATPase assembly factor VMA22; minus strand). Cytogenetic location: 2q21.1.
Variant type: single nucleotide variant.
Coding change: c.539C>T on transcript NM_032357.4 (MANE Select); coding-DNA position 539, C replaced by T.
Protein change: p.Ala180Val; replaces alanine 180 with valine.
Molecular consequence: missense variant. On other transcripts: non-coding transcript variant (2).
Genome position (GRCh38, 1-based): chr2:130,339,124, G>A on the plus strand (C>T on the coding strand, the complement: VMA22 is on the minus strand). VCF-style: chr2-130339124-G-A. GRCh37 (hg19) VCF-style: chr2-131096697-G-A.
Other names: c.539C>T (NM_032357.3); c.524C>T, p.Ala175Val (NM_001321118.1); c.515C>T, p.Ala172Val (NM_001321119.2); short protein forms A172V, A175V, A180V.
Identifiers: ClinVar variation 1649576 (VCV001649576.11), dbSNP rs140831651, ClinGen allele CA1871194.

ClinVar aggregate classification (germline): Likely benign. Review status: criteria provided, multiple submitters, no conflicts (2 of 4 stars). 3 submissions from 3 submitters: Likely benign (2). 1 of the submissions does not count toward it. Last evaluated 2025-12-22.

Conditions:
CCDC115-related disorder. Also called: CCDC115-related condition.

Allele frequency attached by ClinVar (database versions not stated): TOPMed 0.00056; gnomAD 0.00068 and 0.00070; ESP Exome Variant Server 0.00077; gnomAD exomes 0.00086 and 0.00058; ExAC 0.00061; 1000 Genomes Project 0.00020; 1000 Genomes Project 30x 0.00031.
gnomAD v4.1: 1,355 of 1,613,014 alleles (0.084%); highest among the groups gnomAD compares: Non-Finnish European, 0.099%; 2 homozygotes.

Submissions (3):

Labcorp Genetics (formerly Invitae), Labcorp
Classification: Likely benign. Last evaluated: 2025-12-22. Review status: criteria provided, single submitter. Criteria: Invitae Variant Classification Sherloc (09022015). Collection method: clinical testing. Allele origin: germline.

Breakthrough Genomics
Classification: Likely benign. Review status: criteria provided, single submitter. Criteria: ACMG Guidelines, 2015. Collection method: not provided. Allele origin: germline. Inheritance: Autosomal recessive inheritance. Affected: yes.

PreventionGenetics, part of Exact Sciences
Classification: Likely benign for CCDC115-related condition. Last evaluated: 2022-03-03. Review status: no assertion criteria provided. Collection method: clinical testing. Allele origin: germline. Not counted in ClinVar's aggregate classification.
Comment: This variant is classified as likely benign based on ACMG/AMP sequence variant interpretation guidelines (Richards et al. 2015 PMID: 25741868, with internal and published modifications).